The following is an entry in ClinVar:

NM_006267.5(RANBP2):c.335G>A (p.Gly112Glu)

Gene: RANBP2 (RAN binding protein 2; plus strand). Cytogenetic location: 2q13.
Variant type: single nucleotide variant.
Coding change: c.335G>A on transcript NM_006267.5 (MANE Select); coding-DNA position 335, G replaced by A.
Protein change: p.Gly112Glu; replaces glycine 112 with glutamic acid.
Molecular consequence: missense variant.
Genome position (GRCh38, 1-based): chr2:108,731,404, G>A. VCF-style: chr2-108731404-G-A. GRCh37 (hg19) VCF-style: chr2-109347860-G-A.
Other names: c.335G>A, p.Gly112Glu (NM_001415871.1, NM_001415873.1); c.332G>A, p.Gly111Glu (NM_001415872.1); short protein forms G111E, G112E.
Identifiers: ClinVar variation 2500380 (VCV002500380.1), dbSNP rs2467290624, ClinGen allele CA348038072.

ClinVar aggregate classification (germline): Uncertain significance (1 of 4 stars; one submission).

Allele frequency attached by ClinVar (database versions not stated): gnomAD exomes below 0.00001.

Submission:

GeneDx
Classification: Uncertain significance. Last evaluated: 2022-10-28. Review status: criteria provided, single submitter. Criteria: GeneDx Variant Classification Process June 2021. Collection method: clinical testing. Allele origin: germline. Affected: yes.
Comment: Not observed at significant frequency in large population cohorts (gnomAD); In silico analysis supports that this missense variant does not alter protein structure/function; Has not been previously published as pathogenic or benign to our knowledge